The following is an entry in ClinVar:

ClinVar aggregate classification (germline): Uncertain significance (1 of 4 stars; one submission).

Conditions:
Meckel-Gruber syndrome. Also called: DYSENCEPHALIA SPLANCHNOCYSTICA; GRUBER SYNDROME; Dysencephalia splachnocystica. Identifiers: Orphanet 564, MedGen C0265215, MONDO:0018921.
Joubert syndrome. Also called: CEREBELLOPARENCHYMAL DISORDER IV; JOUBERT-BOLTSHAUSER SYNDROME; Familial aplasia of the vermis. Identifiers: Orphanet 475, MedGen C5979921, MONDO:0018772.

Allele frequency attached by ClinVar (database versions not stated): gnomAD exomes 0.00003.
gnomAD v4.1: 47 of 1,613,600 alleles (0.0029%); highest among the groups gnomAD compares: Non-Finnish European, 0.0039%; no homozygotes.

Submission:

Labcorp Genetics (formerly Invitae), Labcorp
Classification: Uncertain significance for Joubert syndrome; Meckel-Gruber syndrome. Last evaluated: 2022-10-04. Review status: criteria provided, single submitter. Criteria: Invitae Variant Classification Sherloc (09022015). Collection method: clinical testing. Allele origin: germline.
Comment: This sequence change replaces serine, which is neutral and polar, with arginine, which is basic and polar, at codon 715 of the TMEM67 protein (p.Ser715Arg). This variant is not present in population databases (gnomAD no frequency). This variant has not been reported in the literature in individuals affected with TMEM67-related conditions. ClinVar contains an entry for this variant (Variation ID: 1484385). Advanced modeling of protein sequence and biophysical properties (such as structural, functional, and spatial information, amino acid conservation, physicochemical variation, residue mobility, and thermodynamic stability) has been performed at Invitae for this missense variant, however the output from this modeling did not meet the statistical confidence thresholds required to predict the impact of this variant on TMEM67 protein function. In summary, the available evidence is currently insufficient to determine the role of this variant in disease. Therefore, it has been classified as a Variant of Uncertain Significance.

NM_153704.6(TMEM67):c.2145T>G (p.Ser715Arg)

Gene: TMEM67 (transmembrane protein 67; plus strand). Cytogenetic location: 8q22.1.
Variant type: single nucleotide variant.
Coding change: c.2145T>G on transcript NM_153704.6 (MANE Select); coding-DNA position 2145, T replaced by G.
Protein change: p.Ser715Arg; replaces serine 715 with arginine.
Molecular consequence: missense variant. On other transcripts: non-coding transcript variant (1).
Genome position (GRCh38, 1-based): chr8:93,799,662, T>G. VCF-style: chr8-93799662-T-G. GRCh37 (hg19) VCF-style: chr8-94811890-T-G.
Other names: c.1902T>G, p.Ser634Arg (NM_001142301.1); short protein forms S634R, S715R.
Identifiers: ClinVar variation 1484385 (VCV001484385.5), dbSNP rs1814779822, ClinGen allele CA371695356.